The following is an entry in ClinVar:

ClinVar aggregate classification (germline): Uncertain significance (1 of 4 stars; one submission).

Allele frequency attached by ClinVar (database versions not stated): gnomAD 0.00005 and 0.00006; TOPMed 0.00005; ESP Exome Variant Server 0.00008; gnomAD exomes 0.00015; ExAC 0.00016.

Submission:

Labcorp Genetics (formerly Invitae), Labcorp
Classification: Uncertain significance. Last evaluated: 2022-08-23. Review status: criteria provided, single submitter. Criteria: Invitae Variant Classification Sherloc (09022015). Collection method: clinical testing. Allele origin: germline.
Comment: Algorithms developed to predict the effect of missense changes on protein structure and function (SIFT, PolyPhen-2, Align-GVGD) all suggest that this variant is likely to be tolerated. In summary, the available evidence is currently insufficient to determine the role of this variant in disease. Therefore, it has been classified as a Variant of Uncertain Significance. This sequence change replaces glutamic acid, which is acidic and polar, with alanine, which is neutral and non-polar, at codon 294 of the EXOC8 protein (p.Glu294Ala). This variant is present in population databases (rs368244909, gnomAD 0.08%), and has an allele count higher than expected for a pathogenic variant. This variant has not been reported in the literature in individuals affected with EXOC8-related conditions. ClinVar contains an entry for this variant (Variation ID: 1426743).

NM_175876.5(EXOC8):c.881A>C (p.Glu294Ala)

Gene: EXOC8 (exocyst complex component 8; minus strand). Cytogenetic location: 1q42.2.
Variant type: single nucleotide variant.
Coding change: c.881A>C on transcript NM_175876.5 (MANE Select); coding-DNA position 881, A replaced by C.
Protein change: p.Glu294Ala; replaces glutamic acid 294 with alanine.
Molecular consequence: missense variant.
Genome position (GRCh38, 1-based): chr1:231,336,865, T>G on the plus strand (A>C on the coding strand, the complement: EXOC8 is on the minus strand). VCF-style: chr1-231336865-T-G. GRCh37 (hg19) VCF-style: chr1-231472611-T-G.
Other names: short protein forms E294A.
Identifiers: ClinVar variation 1426743 (VCV001426743.6), dbSNP rs368244909, ClinGen allele CA1452411.